The following is an entry in ClinVar:

ClinVar aggregate classification (germline): Likely benign. Review status: criteria provided, multiple submitters, no conflicts (2 of 4 stars). 2 submissions from 2 submitters: Likely benign (2). Last evaluated 2025-09-16.

Conditions:
Heterotopia, periventricular, X-linked dominant (PVNH1). Also called: PERIVENTRICULAR NODULAR HETEROTOPIA 1; X-linked periventricular heterotopia; PERIVENTRICULAR NODULAR HETEROTOPIA 4; HETEROTOPIA, PERIVENTRICULAR, 1. Identifiers: Orphanet 2149, Orphanet 82004, MedGen C1848213, MONDO:0010233, OMIM 300049.
Oto-palato-digital syndrome, type II (OPD2). Also called: OPD II SYNDROME; FACIOPALATOOSSEOUS SYNDROME; Otopalatodigital Syndrome, Type II; Otopalatodigital Syndrome Type 2 (FLNA-OPD2). Identifiers: Orphanet 669, Orphanet 90652, MedGen C1844696, MONDO:0010571, OMIM 304120.
Melnick-Needles syndrome (MNS). Also called: MELNICK-NEEDLES OSTEODYSPLASTY; OSTEODYSPLASTY OF MELNICK AND NEEDLES; Melnick-Needles Syndrome (FLNA-MNS). Identifiers: Orphanet 2484, MedGen C0025237, MONDO:0010650, OMIM 309350.
Frontometaphyseal dysplasia (FMD1). Identifiers: Orphanet 1826, MedGen C0265293, MONDO:0015942.

Allele frequency attached by ClinVar (database versions not stated): TOPMed below 0.00001; gnomAD 0.00001; gnomAD exomes 0.00001.
gnomAD v4.1: 14 of 1,210,298 alleles (0.0012%); highest among the groups gnomAD compares: Non-Finnish European, 0.0016%; no homozygotes.

Submissions (2):

Labcorp Genetics (formerly Invitae), Labcorp
Classification: Likely benign for Oto-palato-digital syndrome, type II; Heterotopia, periventricular, X-linked dominant; Frontometaphyseal dysplasia; Melnick-Needles syndrome. Last evaluated: 2025-09-16. Review status: criteria provided, single submitter. Criteria: Invitae Variant Classification Sherloc (09022015). Collection method: clinical testing. Allele origin: germline.

GeneDx
Classification: Likely benign. Last evaluated: 2021-04-27. Review status: criteria provided, single submitter. Criteria: GeneDx Variant Classification Process June 2021. Collection method: clinical testing. Allele origin: germline. Affected: yes.
Comment: Not observed at a significant frequency in large population cohorts (Lek et al., 2016)

NM_001110556.2(FLNA):c.6770-8T>C

Gene: FLNA (filamin A; minus strand). Cytogenetic location: Xq28.
Variant type: single nucleotide variant.
Coding change: c.6770-8T>C on transcript NM_001110556.2 (MANE Select); 8 bases into the intron before coding-DNA position 6770, T replaced by C.
Molecular consequence: intron variant.
Genome position (GRCh38, 1-based): chrX:154,352,029, A>G on the plus strand (T>C on the coding strand, the complement: FLNA is on the minus strand). VCF-style: chrX-154352029-A-G. GRCh37 (hg19) VCF-style: chrX-153580397-A-G.
Other names: c.6746-8T>C (NM_001456.4).
Identifiers: ClinVar variation 1086528 (VCV001086528.10), dbSNP rs1307963198, ClinGen allele CA645290125.